The following is an entry in ClinVar:

ClinVar aggregate classification (germline): Uncertain significance. Review status: criteria provided, multiple submitters, no conflicts (2 of 4 stars). 2 submissions from 2 submitters: Uncertain significance (2). Last evaluated 2025-11-03.

Conditions:
Pheochromocytoma. Also called: MAX-Related Hereditary Paraganglioma-Pheochromocytoma Syndrome. Identifiers: Orphanet 29072, MedGen C0031511, MONDO:0008233, OMIM 171300, HP:0002666.
Pheochromocytoma/paraganglioma syndrome 4. Also called: CAROTID BODY TUMORS AND MULTIPLE EXTRAADRENAL PHEOCHROMOCYTOMAS; PARAGANGLIOMA, FAMILIAL MALIGNANT; PARAGANGLIOMAS, HEREDITARY EXTRAADRENAL; PHEOCHROMOCYTOMA, FAMILIAL EXTRAADRENAL; Paragangliomas 4; SDHB-Related Hereditary Paraganglioma-Pheochromocytoma Syndrome (Paragangliomas 4). Identifiers: Orphanet 29072, MedGen C1861848, MONDO:0007273, OMIM 115310.
Gastrointestinal stromal tumor. Also called: Gastrointestinal stromal tumor, somatic; Gastrointestinal stroma tumor. Identifiers: Orphanet 44890, MedGen C0238198, MeSH D046152, MONDO:0011719, OMIM 606764, HP:0100723.
Hereditary cancer-predisposing syndrome. Also called: Hereditary Cancer Syndrome; Hereditary neoplastic syndrome; Neoplastic Syndromes, Hereditary; Tumor predisposition. Identifiers: Orphanet 140162, MedGen C0027672, MeSH D009386, MONDO:0015356.

Submissions (2):

Ambry Genetics
Classification: Uncertain significance for Hereditary cancer-predisposing syndrome. Last evaluated: 2025-11-03. Review status: criteria provided, single submitter. Criteria: Ambry Variant Classification Scheme 2023. Collection method: clinical testing. Allele origin: germline.
Comment: The p.D50Y variant (also known as c.148G>T), located in coding exon 2 of the SDHB gene, results from a G to T substitution at nucleotide position 148. The aspartic acid at codon 50 is replaced by tyrosine, an amino acid with highly dissimilar properties. This amino acid position is conserved. In addition, this alteration is predicted to be deleterious by in silico analysis. Based on the available evidence, the clinical significance of this variant remains unclear.

Labcorp Genetics (formerly Invitae), Labcorp
Classification: Uncertain significance for Gastrointestinal stromal tumor; Pheochromocytoma/paraganglioma syndrome 4; Pheochromocytoma. Last evaluated: 2023-07-12. Review status: criteria provided, single submitter. Criteria: Invitae Variant Classification Sherloc (09022015). Collection method: clinical testing. Allele origin: germline.
Comment: In summary, the available evidence is currently insufficient to determine the role of this variant in disease. Therefore, it has been classified as a Variant of Uncertain Significance. This sequence change replaces aspartic acid, which is acidic and polar, with tyrosine, which is neutral and polar, at codon 50 of the SDHB protein (p.Asp50Tyr). This variant is not present in population databases (gnomAD no frequency). This variant has not been reported in the literature in individuals affected with SDHB-related conditions. ClinVar contains an entry for this variant (Variation ID: 2447647). Advanced modeling of protein sequence and biophysical properties (such as structural, functional, and spatial information, amino acid conservation, physicochemical variation, residue mobility, and thermodynamic stability) performed at Invitae indicates that this missense variant is not expected to disrupt SDHB protein function.

NM_003000.3(SDHB):c.148G>T (p.Asp50Tyr)

Gene: SDHB (succinate dehydrogenase complex iron sulfur subunit B; minus strand). Cytogenetic location: 1p36.13.
Variant type: single nucleotide variant.
Coding change: c.148G>T on transcript NM_003000.3 (MANE Select); coding-DNA position 148, G replaced by T.
Protein change: p.Asp50Tyr; replaces aspartic acid 50 with tyrosine.
Molecular consequence: missense variant.
Genome position (GRCh38, 1-based): chr1:17,044,813, C>A on the plus strand (G>T on the coding strand, the complement: SDHB is on the minus strand). VCF-style: chr1-17044813-C-A. GRCh37 (hg19) VCF-style: chr1-17371308-C-A.
Other names: c.148G>T, p.Asp50Tyr (NM_001407361.1); short protein forms D50Y.
Identifiers: ClinVar variation 2447647 (VCV002447647.5), dbSNP rs1060503765, ClinGen allele CA338227992.
Genomic context (GRCh38, chr1:17,044,813, plus strand): 5'-ATACTCACTTATTAAGGTCAACTTCATAAGTCTGCATATGAGGTTTGTCTCCAGCCTTGT[C>A]TGGGTCCCATCGATAGATGGCAAATTTCTTGATACGGGGAGCTGTGGCTGCAGCTGTCTG-3'
Protein context (NP_002991.2, residues 40-60): KKFAIYRWDP[Asp50Tyr]KAGDKPHMQT